The following is an entry in ClinVar:

NM_000629.3(IFNAR1):c.518C>T (p.Ser173Phe)

Gene: IFNAR1 (interferon alpha and beta receptor subunit 1; plus strand). Cytogenetic location: 21q22.11.
Variant type: single nucleotide variant.
Coding change: c.518C>T on transcript NM_000629.3 (MANE Select); coding-DNA position 518, C replaced by T.
Protein change: p.Ser173Phe; replaces serine 173 with phenylalanine.
Molecular consequence: missense variant. On other transcripts: 5 prime UTR variant (1).
Genome position (GRCh38, 1-based): chr21:33,343,409, C>T. VCF-style: chr21-33343409-C-T. GRCh37 (hg19) VCF-style: chr21-34715715-C-T.
Other names: c.518C>T, p.Ser173Phe (NM_001384498.1, NM_001384499.1, NM_001384501.1 and 1 more transcripts); c.-269C>T (NM_001384500.1); c.56C>T, p.Ser19Phe (NM_001384502.1); c.311C>T, p.Ser104Phe (NM_001384504.1); short protein forms S173F, S104F, S19F.
Identifiers: ClinVar variation 1967049 (VCV001967049.5), dbSNP rs1445005547, ClinGen allele CA410107551.

ClinVar aggregate classification (germline): Uncertain significance (1 of 4 stars; one submission).

Allele frequency attached by ClinVar (database versions not stated): TOPMed 0.00001.

Submission:

Labcorp Genetics (formerly Invitae), Labcorp
Classification: Uncertain significance. Last evaluated: 2022-07-26. Review status: criteria provided, single submitter. Criteria: Invitae Variant Classification Sherloc (09022015). Collection method: clinical testing. Allele origin: germline.
Comment: This sequence change replaces serine, which is neutral and polar, with phenylalanine, which is neutral and non-polar, at codon 173 of the IFNAR1 protein (p.Ser173Phe). In summary, the available evidence is currently insufficient to determine the role of this variant in disease. Therefore, it has been classified as a Variant of Uncertain Significance. Algorithms developed to predict the effect of sequence changes on RNA splicing suggest that this variant may disrupt the consensus splice site. Algorithms developed to predict the effect of missense changes on protein structure and function are either unavailable or do not agree on the potential impact of this missense change (SIFT: "Deleterious"; PolyPhen-2: "Probably Damaging"; Align-GVGD: "Class C15"). This variant has not been reported in the literature in individuals affected with IFNAR1-related conditions. This variant is present in population databases (no rsID available, gnomAD 0.01%).